The following is an entry in ClinVar:

ClinVar aggregate classification (germline): Uncertain significance (1 of 4 stars; one submission).

gnomAD v4.1: 5 of 1,614,044 alleles (0.00031%); highest among the groups gnomAD compares: Admixed American, 0.0033%; no homozygotes.

Submission:

Labcorp Genetics (formerly Invitae), Labcorp
Classification: Uncertain significance. Last evaluated: 2022-08-30. Review status: criteria provided, single submitter. Criteria: Invitae Variant Classification Sherloc (09022015). Collection method: clinical testing. Allele origin: germline.
Comment: This sequence change replaces serine, which is neutral and polar, with tryptophan, which is neutral and slightly polar, at codon 612 of the LIG1 protein (p.Ser612Trp). This variant is present in population databases (no rsID available, gnomAD 0.003%). This variant has not been reported in the literature in individuals affected with LIG1-related conditions. ClinVar contains an entry for this variant (Variation ID: 1503709). Algorithms developed to predict the effect of missense changes on protein structure and function are either unavailable or do not agree on the potential impact of this missense change (SIFT: "Deleterious"; PolyPhen-2: "Probably Damaging"; Align-GVGD: "Class C15"). In summary, the available evidence is currently insufficient to determine the role of this variant in disease. Therefore, it has been classified as a Variant of Uncertain Significance.

NM_000234.3(LIG1):c.1835C>G (p.Ser612Trp)

Gene: LIG1 (DNA ligase 1; minus strand). Cytogenetic location: 19q13.33.
Variant type: single nucleotide variant.
Coding change: c.1835C>G on transcript NM_000234.3 (MANE Select); coding-DNA position 1835, C replaced by G.
Protein change: p.Ser612Trp; replaces serine 612 with tryptophan.
Molecular consequence: missense variant. On other transcripts: non-coding transcript variant (6).
Genome position (GRCh38, 1-based): chr19:48,128,007, G>C on the plus strand (C>G on the coding strand, the complement: LIG1 is on the minus strand). VCF-style: chr19-48128007-G-C. GRCh37 (hg19) VCF-style: chr19-48631264-G-C.
Other names: c.1742C>G, p.Ser581Trp (NM_001289063.2); c.1631C>G, p.Ser544Trp (NM_001289064.2); c.1832C>G, p.Ser611Trp (NM_001320970.2); c.1745C>G, p.Ser582Trp (NM_001320971.2); short protein forms S581W, S544W, S582W, S612W, S611W.
Identifiers: ClinVar variation 1503709 (VCV001503709.3), dbSNP rs780324684, ClinGen allele CA406645356.